The following is an entry in ClinVar:

ClinVar aggregate classification (germline): Uncertain significance. Review status: criteria provided, multiple submitters, no conflicts (2 of 4 stars). 2 submissions from 2 submitters: Uncertain significance (2). Last evaluated 2025-05-06.

Conditions:
Progressive myoclonic epilepsy type 8. Identifiers: Orphanet 424027, MedGen C5190825, MONDO:0014545, OMIM 616230.

Submissions (2):

Ambry Genetics
Classification: Uncertain significance. Last evaluated: 2025-05-06. Review status: criteria provided, single submitter. Criteria: Ambry Variant Classification Scheme 2023. Collection method: clinical testing. Allele origin: germline.

Labcorp Genetics (formerly Invitae), Labcorp
Classification: Uncertain significance for Progressive myoclonic epilepsy type 8. Last evaluated: 2022-09-12. Review status: criteria provided, single submitter. Criteria: Invitae Variant Classification Sherloc (09022015). Collection method: clinical testing. Allele origin: germline.
Comment: In summary, the available evidence is currently insufficient to determine the role of this variant in disease. Therefore, it has been classified as a Variant of Uncertain Significance. Advanced modeling of protein sequence and biophysical properties (such as structural, functional, and spatial information, amino acid conservation, physicochemical variation, residue mobility, and thermodynamic stability) performed at Invitae indicates that this missense variant is expected to disrupt CERS1 protein function. ClinVar contains an entry for this variant (Variation ID: 1348675). This variant has not been reported in the literature in individuals affected with CERS1-related conditions. This variant is not present in population databases (gnomAD no frequency). This sequence change replaces serine, which is neutral and polar, with asparagine, which is neutral and polar, at codon 157 of the CERS1 protein (p.Ser157Asn).

NM_021267.5(CERS1):c.470G>A (p.Ser157Asn)

Genes: CERS1 (ceramide synthase 1; minus strand), GDF1 (growth differentiation factor 1; minus strand). Cytogenetic location: 19p13.11.
Variant type: single nucleotide variant.
Coding change: c.470G>A on transcript NM_021267.5 (MANE Select); coding-DNA position 470, G replaced by A.
Protein change: p.Ser157Asn; replaces serine 157 with asparagine.
Molecular consequence: missense variant. On other transcripts: 5 prime UTR variant (2).
Genome position (GRCh38, 1-based): chr19:18,884,207, C>T on the plus strand (G>A on the coding strand, the complement: CERS1 is on the minus strand). VCF-style: chr19-18884207-C-T. GRCh37 (hg19) VCF-style: chr19-18995016-C-T.
Other names: c.176G>A, p.Ser59Asn (NM_001290265.2, NM_001387442.1, NM_001387443.1 and 2 more transcripts); c.470G>A, p.Ser157Asn (NM_001387439.1, NM_001387440.1, NM_001387441.1 and 1 more transcripts); c.-433G>A (NM_001387438.1); c.-853G>A (NM_001492.6); c.470G>A (NM_021267.3); short protein forms S157N, S59N.
Identifiers: ClinVar variation 1348675 (VCV001348675.9), dbSNP rs2146033428, ClinGen allele CA404867061.